The following is an entry in ClinVar:

NM_014423.4(AFF4):c.559G>A (p.Val187Ile)

Gene: AFF4 (ALF transcription elongation factor 4; minus strand). Cytogenetic location: 5q31.1.
Variant type: single nucleotide variant.
Coding change: c.559G>A on transcript NM_014423.4 (MANE Select); coding-DNA position 559, G replaced by A.
Protein change: p.Val187Ile; replaces valine 187 with isoleucine.
Molecular consequence: missense variant.
Genome position (GRCh38, 1-based): chr5:132,934,506, C>T on the plus strand (G>A on the coding strand, the complement: AFF4 is on the minus strand). VCF-style: chr5-132934506-C-T. GRCh37 (hg19) VCF-style: chr5-132270198-C-T.
Other names: c.559G>A (NM_014423.3); short protein forms V187I.
Identifiers: ClinVar variation 1952093 (VCV001952093.6), dbSNP rs1285989544, ClinGen allele CA360960136.
Genomic context (GRCh38, chr5:132,934,506, plus strand): 5'-GTTCCTTGCTATGGTGATCATTCCCATGAGACCTGGAATGACTAGAGTTTAATGAAGAAA[C>T]AGCCTGGGGTTTTCCAGGGCTGGAAGAACGTGATTTGGAGTGTTCTGATCCATGCTGGCC-3'
Protein context (NP_055238.1, residues 177-197): RSSSPGKPQA[Val187Ile]SSLNSSHSRS

ClinVar aggregate classification (germline): Uncertain significance. Review status: criteria provided, multiple submitters, no conflicts (2 of 4 stars). 2 submissions from 2 submitters: Uncertain significance (2). Last evaluated 2026-07-16.

Conditions:
AFF4-related disorder. Also called: AFF4-related condition.
Cognitive impairment - coarse facies - heart defects - obesity - pulmonary involvement - short stature - skeletal dysplasia syndrome. Also called: AFF4-Related CHOPS Syndrome; Chops syndrome; COGNITIVE IMPAIRMENT, COARSE FACIES, HEART DEFECTS, OBESITY, PULMONARY INVOLVEMENT, SHORT STATURE, AND SKELETAL DYSPLASIA. Identifiers: Orphanet 444077, MedGen C4085597, MONDO:0014609, OMIM 616368.

Allele frequency attached by ClinVar (database versions not stated): TOPMed below 0.00001; gnomAD exomes 0.00001.
gnomAD v4.1: 4 of 1,614,128 alleles (0.00025%); highest among the groups gnomAD compares: Admixed American, 0.0033%; no homozygotes.

Submissions (2):

PreventionGenetics, part of Exact Sciences
Classification: Uncertain significance for AFF4-related condition. Last evaluated: 2026-07-16. Review status: criteria provided, single submitter. Criteria: ACMG Guidelines, 2015. Collection method: clinical testing. Allele origin: germline.
Comment: The AFF4 c.559G>A variant is predicted to result in the amino acid substitution p.Val187Ile. To our knowledge, this variant has not been reported in the literature. This variant is reported in 0.0058% of alleles in individuals of Latino descent in gnomAD. At this time, the clinical significance of this variant is uncertain due to the absence of conclusive functional and genetic evidence.

Labcorp Genetics (formerly Invitae), Labcorp
Classification: Uncertain significance for Cognitive impairment - coarse facies - heart defects - obesity - pulmonary involvement - short stature - skeletal dysplasia syndrome. Last evaluated: 2024-11-08. Review status: criteria provided, single submitter. Criteria: Invitae Variant Classification Sherloc (09022015). Collection method: clinical testing. Allele origin: germline.
Comment: This sequence change replaces valine, which is neutral and non-polar, with isoleucine, which is neutral and non-polar, at codon 187 of the AFF4 protein (p.Val187Ile). This variant is present in population databases (no rsID available, gnomAD 0.006%). This variant has not been reported in the literature in individuals affected with AFF4-related conditions. ClinVar contains an entry for this variant (Variation ID: 1952093). An algorithm developed to predict the effect of missense changes on protein structure and function (PolyPhen-2) suggests that this variant is likely to be disruptive. In summary, the available evidence is currently insufficient to determine the role of this variant in disease. Therefore, it has been classified as a Variant of Uncertain Significance.